The following is an entry in ClinVar:

ClinVar aggregate classification (germline): Benign (1 of 4 stars; one submission).

Conditions:
Immunodeficiency 104. Also called: Severe combined immunodeficiency, autosomal recessive, T cell-negative, B cell-positive, NK cell-positive; Severe Combined Immune Deficiency, Autosomal Recessive, TCell -Negative, B Cell-Positive, NK Cell-Positive, IL7R-Related; IMMUNODEFICIENCY 104, SEVERE COMBINED; SCID, AUTOSOMAL RECESSIVE, T CELL-NEGATIVE, B CELL-POSITIVE, NK CELL-POSITIVE. Identifiers: MedGen C5676890, MONDO:0012163, OMIM 608971.

Allele frequency attached by ClinVar (database versions not stated): gnomAD 0.00119 and 0.00161; TOPMed 0.00184; 1000 Genomes Project 30x 0.00531; 1000 Genomes Project 0.00599; gnomAD exomes 0.00828.
gnomAD v4.1: 860 of 232,688 alleles (0.37%); highest among the groups gnomAD compares: East Asian, 4.7%; 31 homozygotes.

Submission:

Illumina Laboratory Services, Illumina
Classification: Benign for Immunodeficiency 104. Last evaluated: 2018-01-13. Review status: criteria provided, single submitter. Criteria: ICSL Variant Classification Criteria 13 December 2019. Collection method: clinical testing. Allele origin: germline.
Comment: This variant was observed in the ICSL laboratory as part of a predisposition screen in an ostensibly healthy population. It had not been previously curated by ICSL or reported in the Human Gene Mutation Database (HGMD: prior to June 1st, 2018), and was therefore a candidate for classification through an automated scoring system. Utilizing variant allele frequency, disease prevalence and penetrance estimates, and inheritance mode, an automated score was calculated to assess if this variant is too frequent to cause the disease. Based on the score and internal cut-off values, a variant classified as benign is not then subjected to further curation. The score for this variant resulted in a classification of benign for this disease.

NM_002185.5(IL7R):c.*2165C>T

Gene: IL7R (interleukin 7 receptor; plus strand). Cytogenetic location: 5p13.2.
Variant type: single nucleotide variant.
Coding change: c.*2165C>T on transcript NM_002185.5 (MANE Select); 2165 bases downstream of the stop codon, C replaced by T.
Molecular consequence: 3 prime UTR variant. On other transcripts: non-coding transcript variant (1).
Genome position (GRCh38, 1-based): chr5:35,878,651, C>T. VCF-style: chr5-35878651-C-T. GRCh37 (hg19) VCF-style: chr5-35878753-C-T.
Identifiers: ClinVar variation 903923 (VCV000903923.4), dbSNP rs76614394, ClinGen allele CA116978512.